The following is an entry in ClinVar:

NM_019066.5(MAGEL2):c.680C>T (p.Thr227Ile)

Gene: MAGEL2 (MAGE family member L2; minus strand). Cytogenetic location: 15q11.2.
Variant type: single nucleotide variant.
Coding change: c.680C>T on transcript NM_019066.5 (MANE Select); coding-DNA position 680, C replaced by T.
Protein change: p.Thr227Ile; replaces threonine 227 with isoleucine.
Molecular consequence: missense variant.
Genome position (GRCh38, 1-based): chr15:23,647,063, G>A on the plus strand (C>T on the coding strand, the complement: MAGEL2 is on the minus strand). VCF-style: chr15-23647063-G-A. GRCh37 (hg19) VCF-style: chr15-23892210-G-A.
Other names: short protein forms T227I.
Identifiers: ClinVar variation 1206039 (VCV001206039.15), dbSNP rs761097102, ClinGen allele CA7430089.
Genomic context (GRCh38, chr15:23,647,063, plus strand): 5'-ACTCCCGGAGTCAGAGGCTGGGCCATCAGGACTCCCGGAGCTGGAGGCTGGGCCATCGGT[G>A]TACCCGGAGGGGGAGGATGAGCCATCGGTGTCCCCGGAGGTGGAGGATGAGCCATCGGTG-3'
Protein context (NP_061939.3, residues 217-237): TPMAHPPPPG[Thr227Ile]PMAQPPAPGV

ClinVar aggregate classification (germline): Conflicting classifications of pathogenicity. Review status: criteria provided, conflicting classifications (1 of 4 stars). 5 submissions from 5 submitters: Uncertain significance (2); Likely benign (1). 2 of the submissions do not count toward it. Last evaluated 2026-07-01.

Allele frequency attached by ClinVar (database versions not stated): ExAC 0.00014; gnomAD 0.00014; gnomAD exomes 0.00014 and 0.00033; TOPMed 0.00016.

Submissions (5):

CeGaT Center for Human Genetics Tuebingen
Classification: Likely benign. Last evaluated: 2026-07-01. Review status: criteria provided, single submitter. Criteria: CeGaT Center For Human Genetics Tuebingen Variant Classification Criteria Version 2. Collection method: clinical testing. Allele origin: germline. Affected: yes. Observed: 2 variant alleles.
Comment: MAGEL2: BS2

Labcorp Genetics (formerly Invitae), Labcorp
Classification: Uncertain significance. Last evaluated: 2025-05-05. Review status: criteria provided, single submitter. Criteria: Invitae Variant Classification Sherloc (09022015). Collection method: clinical testing. Allele origin: germline.
Comment: This sequence change replaces threonine, which is neutral and polar, with isoleucine, which is neutral and non-polar, at codon 227 of the MAGEL2 protein (p.Thr227Ile). This variant is present in population databases (rs761097102, gnomAD 0.03%). This variant has not been reported in the literature in individuals affected with MAGEL2-related conditions. ClinVar contains an entry for this variant (Variation ID: 1206039). Experimental studies and prediction algorithms are not available or were not evaluated, and the functional significance of this variant is currently unknown. In summary, the available evidence is currently insufficient to determine the role of this variant in disease. Therefore, it has been classified as a Variant of Uncertain Significance.

Genetic Services Laboratory, University of Chicago
Classification: Uncertain significance. Last evaluated: 2018-12-17. Review status: criteria provided, single submitter. Criteria: ACMG Guidelines, 2015. Collection method: clinical testing. Allele origin: germline. Affected: no.

Clinical Genetics DNA and cytogenetics Diagnostics Lab, Erasmus MC, Erasmus Medical Center
Classification: Uncertain significance. Review status: no assertion criteria provided. Collection method: clinical testing. Allele origin: germline. Affected: yes. Study: VKGL Data-share Consensus. Not counted in ClinVar's aggregate classification.

Laboratory of Diagnostic Genome Analysis, Leiden University Medical Center (LUMC)
Classification: Uncertain significance. Review status: no assertion criteria provided. Collection method: clinical testing. Allele origin: germline. Affected: yes. Study: VKGL Data-share Consensus. Not counted in ClinVar's aggregate classification.